The following is an entry in ClinVar:

ClinVar aggregate classification (germline): Uncertain significance (1 of 4 stars; one submission).

Allele frequency attached by ClinVar (database versions not stated): gnomAD 0.00001; gnomAD exomes 0.00001; TOPMed 0.00001; ESP Exome Variant Server 0.00009; ExAC 0.00001.
gnomAD v4.1: 9 of 1,208,113 alleles (0.00074%); highest among the groups gnomAD compares: South Asian, 0.007%; no homozygotes.

Submission:

Labcorp Genetics (formerly Invitae), Labcorp
Classification: Uncertain significance. Last evaluated: 2022-09-14. Review status: criteria provided, single submitter. Criteria: Invitae Variant Classification Sherloc (09022015). Collection method: clinical testing. Allele origin: germline.
Comment: This sequence change replaces arginine, which is basic and polar, with histidine, which is basic and polar, at codon 3 of the RS1 protein (p.Arg3His). This variant is present in population databases (rs374672514, gnomAD 0.005%). This variant has not been reported in the literature in individuals affected with RS1-related conditions. Advanced modeling of protein sequence and biophysical properties (such as structural, functional, and spatial information, amino acid conservation, physicochemical variation, residue mobility, and thermodynamic stability) performed at Invitae indicates that this missense variant is not expected to disrupt RS1 protein function. In summary, the available evidence is currently insufficient to determine the role of this variant in disease. Therefore, it has been classified as a Variant of Uncertain Significance.

NM_000330.4(RS1):c.8G>A (p.Arg3His)

Gene: RS1 (retinoschisin 1; minus strand). Cytogenetic location: Xp22.13.
Variant type: single nucleotide variant.
Coding change: c.8G>A on transcript NM_000330.4 (MANE Select); coding-DNA position 8, G replaced by A.
Protein change: p.Arg3His; replaces arginine 3 with histidine.
Molecular consequence: missense variant.
Genome position (GRCh38, 1-based): chrX:18,672,061, C>T on the plus strand (G>A on the coding strand, the complement: RS1 is on the minus strand). VCF-style: chrX-18672061-C-T. GRCh37 (hg19) VCF-style: chrX-18690181-C-T.
Other names: short protein forms R3H.
Identifiers: ClinVar variation 2059595 (VCV002059595.1), dbSNP rs374672514, ClinGen allele CA10360836.